The following is an entry in ClinVar:

ClinVar aggregate classification (germline): Uncertain significance (1 of 4 stars; one submission).

Conditions:
Neuromuscular disease caused by qualitative or quantitative defects of dysferlin. Also called: Qualitative or quantitative defects of dysferlin; Dysferlinopathy. Identifiers: Orphanet 207073, MedGen C2931687, MONDO:0016145.

Allele frequency attached by ClinVar (database versions not stated): gnomAD exomes below 0.00001; ExAC 0.00001.
gnomAD v4.1: 1 of 1,613,812 alleles (0.000062%); highest among the groups gnomAD compares: Admixed American, 0.0017%; no homozygotes.

Submission:

Labcorp Genetics (formerly Invitae), Labcorp
Classification: Uncertain significance for Neuromuscular disease caused by qualitative or quantitative defects of dysferlin. Last evaluated: 2022-09-06. Review status: criteria provided, single submitter. Criteria: Invitae Variant Classification Sherloc (09022015). Collection method: clinical testing. Allele origin: germline.
Comment: In summary, the available evidence is currently insufficient to determine the role of this variant in disease. Therefore, it has been classified as a Variant of Uncertain Significance. Variants that disrupt the consensus splice site are a relatively common cause of aberrant splicing (PMID: 17576681, 9536098). Algorithms developed to predict the effect of sequence changes on RNA splicing suggest that this variant is not likely to affect RNA splicing. ClinVar contains an entry for this variant (Variation ID: 961731). This variant has not been reported in the literature in individuals affected with DYSF-related conditions. This variant is present in population databases (rs778837009, gnomAD 0.003%). This sequence change falls in intron 42 of the DYSF gene. It does not directly change the encoded amino acid sequence of the DYSF protein. It affects a nucleotide within the consensus splice site.

Literature cited by the submitters: PubMed 17576681; PubMed 9536098.

NM_001130987.2(DYSF):c.4755+6T>C

Gene: DYSF (dysferlin; plus strand). Cytogenetic location: 2p13.2.
Variant type: single nucleotide variant.
Coding change: c.4755+6T>C on transcript NM_001130987.2 (MANE Select); 6 bases into the intron after coding-DNA position 4755, T replaced by C.
Molecular consequence: intron variant.
Genome position (GRCh38, 1-based): chr2:71,656,296, T>C. VCF-style: chr2-71656296-T-C. GRCh37 (hg19) VCF-style: chr2-71883426-T-C.
Other names: c.4731+6T>C (NM_001130979.2); c.4752+6T>C (NM_001130981.2); c.4689+6T>C (NM_001130980.2); c.4701+6T>C (NM_001130978.2); c.4638+6T>C (NM_003494.4); c.4659+6T>C (NM_001130977.2); c.4596+6T>C (NM_001130976.2); c.4734+6T>C (NM_001130982.2); and 5 more.
Identifiers: ClinVar variation 961731 (VCV000961731.9), dbSNP rs778837009, ClinGen allele CA1707120.